The following is an entry in ClinVar:

ClinVar aggregate classification (germline): Benign/Likely benign. Review status: criteria provided, multiple submitters, no conflicts (2 of 4 stars). 8 submissions from 8 submitters: Benign (1); Likely benign (7). Last evaluated 2025-05-15.

Conditions:
Hereditary cancer-predisposing syndrome. Also called: Neoplastic Syndromes, Hereditary; Hereditary Cancer Syndrome; Tumor predisposition; Hereditary neoplastic syndrome. Identifiers: Orphanet 140162, MedGen C0027672, MeSH D009386, MONDO:0015356.
Familial adenomatous polyposis 2. Also called: MUTYH-associated polyposis; MUTYH Polyposis; FAP type 2; Adenomas, multiple colorectal; COLORECTAL ADENOMATOUS POLYPOSIS, AUTOSOMAL RECESSIVE; ADENOMAS, MULTIPLE COLORECTAL, AUTOSOMAL RECESSIVE. Identifiers: Orphanet 220460, Orphanet 247798, MedGen C3272841, MONDO:0012041, OMIM 608456.

Allele frequency attached by ClinVar (database versions not stated): gnomAD exomes 0.00007 and 0.00015; gnomAD 0.00008; ExAC 0.00010; TOPMed 0.00010.
gnomAD v4.1: 115 of 1,603,824 alleles (0.0072%); highest among the groups gnomAD compares: Non-Finnish European, 0.0013%; no homozygotes.

Submissions (8):

Mayo Clinic Laboratories, Mayo Clinic
Classification: Likely benign. Last evaluated: 2025-05-15. Review status: criteria provided, single submitter. Criteria: ACMG Guidelines, 2015. Collection method: clinical testing. Allele origin: germline. Observed: 1 variant allele.
Comment: BP4_moderate, BP6

Color Diagnostics, LLC DBA Color Health
Classification: Benign for Hereditary cancer-predisposing syndrome. Last evaluated: 2024-09-19. Review status: criteria provided, single submitter. Criteria: ACMG Guidelines, 2015. Collection method: clinical testing. Allele origin: germline.

Institute for Biomarker Research, Medical Diagnostic Laboratories, L.L.C.
Classification: Likely benign for Hereditary cancer-predisposing syndrome. Last evaluated: 2024-04-16. Review status: criteria provided, single submitter. Criteria: ACMG Guidelines, 2015. Collection method: clinical testing. Allele origin: germline.

Quest Diagnostics Nichols Institute San Juan Capistrano
Classification: Likely benign. Last evaluated: 2023-05-04. Review status: criteria provided, single submitter. Criteria: Quest Diagnostics criteria. Collection method: clinical testing. Allele origin: unknown.

Sema4
Classification: Likely benign for Hereditary cancer-predisposing syndrome. Last evaluated: 2021-09-14. Review status: criteria provided, single submitter. Criteria: Sema4 Curation Guidelines. Collection method: curation. Allele origin: germline.

Labcorp Genetics (formerly Invitae), Labcorp
Classification: Likely benign for Familial adenomatous polyposis 2. Last evaluated: 2021-03-31. Review status: criteria provided, single submitter. Criteria: Invitae Variant Classification Sherloc (09022015). Collection method: clinical testing. Allele origin: germline.

Ambry Genetics
Classification: Likely benign for Hereditary cancer-predisposing syndrome. Last evaluated: 2018-12-14. Review status: criteria provided, single submitter. Criteria: Ambry Variant Classification Scheme 2023. Collection method: clinical testing. Allele origin: germline.

Genetic Services Laboratory, University of Chicago
Classification: Likely benign. Last evaluated: 2018-10-16. Review status: criteria provided, single submitter. Criteria: ACMG Guidelines, 2015. Collection method: clinical testing. Allele origin: germline. Affected: no.

Literature cited by the submitters: PubMed 27153395 (cited by Quest Diagnostics Nichols Institute San Juan Capistrano); PubMed 19836313 (cited by Quest Diagnostics Nichols Institute San Juan Capistrano); PubMed 23507534 (cited by Quest Diagnostics Nichols Institute San Juan Capistrano); PubMed 28087410 (cited by Quest Diagnostics Nichols Institute San Juan Capistrano); PubMed 16774938 (cited by Quest Diagnostics Nichols Institute San Juan Capistrano); PubMed 31203172 (cited by Quest Diagnostics Nichols Institute San Juan Capistrano); PubMed 25820570 (cited by Quest Diagnostics Nichols Institute San Juan Capistrano and Ambry Genetics).

NM_001048174.2(MUTYH):c.929A>G (p.Gln310Arg)

Gene: MUTYH (mutY DNA glycosylase; minus strand). Cytogenetic location: 1p34.1.
Variant type: single nucleotide variant.
Coding change: c.929A>G on transcript NM_001048174.2 (MANE Select); coding-DNA position 929, A replaced by G.
Protein change: p.Gln310Arg; replaces glutamine 310 with arginine.
Molecular consequence: missense variant. On other transcripts: non-coding transcript variant (2).
Genome position (GRCh38, 1-based): chr1:45,331,834, T>C on the plus strand (A>G on the coding strand, the complement: MUTYH is on the minus strand). VCF-style: chr1-45331834-T-C. GRCh37 (hg19) VCF-style: chr1-45797506-T-C.
Other names: p.Gln338Arg; c.929A>G, p.Gln310Arg (NM_001048171.2, NM_001048173.2, NM_001293195.2); c.932A>G, p.Gln311Arg (NM_001048172.2); c.1013A>G, p.Gln338Arg (NM_001128425.2); c.974A>G, p.Gln325Arg (NM_001293190.2); c.962A>G, p.Gln321Arg (NM_001293191.2); c.653A>G, p.Gln218Arg (NM_001293192.2, NM_001293196.2); c.584A>G, p.Gln195Arg (NM_001350650.2, NM_001350651.2); and 1 more; short protein forms Q338R, Q218R, Q310R, Q335R, Q195R, Q311R, Q321R, Q325R.
Identifiers: ClinVar variation 142590 (VCV000142590.19), dbSNP rs199742231, ClinGen allele CA011975.